The following is an entry in ClinVar:

ClinVar aggregate classification (germline): Uncertain significance. Review status: criteria provided, multiple submitters, no conflicts (2 of 4 stars). 2 submissions from 2 submitters: Uncertain significance (2). Last evaluated 2023-09-07.

Conditions:
Inborn genetic diseases. Identifiers: MedGen C0950123, MeSH D030342.

Allele frequency attached by ClinVar (database versions not stated): TOPMed below 0.00001; ExAC 0.00001; gnomAD exomes 0.00001.

Submissions (2):

Labcorp Genetics (formerly Invitae), Labcorp
Classification: Uncertain significance. Last evaluated: 2023-09-07. Review status: criteria provided, single submitter. Criteria: Invitae Variant Classification Sherloc (09022015). Collection method: clinical testing. Allele origin: germline.
Comment: This sequence change replaces alanine, which is neutral and non-polar, with threonine, which is neutral and polar, at codon 604 of the NEFH protein (p.Ala604Thr). This variant is present in population databases (rs765634591, gnomAD 0.002%). This variant has not been reported in the literature in individuals affected with NEFH-related conditions. ClinVar contains an entry for this variant (Variation ID: 1780578). Advanced modeling of protein sequence and biophysical properties (such as structural, functional, and spatial information, amino acid conservation, physicochemical variation, residue mobility, and thermodynamic stability) performed at Invitae indicates that this missense variant is not expected to disrupt NEFH protein function. In summary, the available evidence is currently insufficient to determine the role of this variant in disease. Therefore, it has been classified as a Variant of Uncertain Significance.

Ambry Genetics
Classification: Uncertain significance for Inborn genetic diseases. Last evaluated: 2021-04-09. Review status: criteria provided, single submitter. Criteria: Ambry Variant Classification Scheme 2023. Collection method: clinical testing. Allele origin: germline.
Comment: The p.A604T variant (also known as c.1810G>A), located in coding exon 4 of the NEFH gene, results from a G to A substitution at nucleotide position 1810. The alanine at codon 604 is replaced by threonine, an amino acid with similar properties. This amino acid position is well conserved in available vertebrate species. In addition, this alteration is predicted to be tolerated by in silico analysis. Since supporting evidence is limited at this time, the clinical significance of this alteration remains unclear.

NM_021076.4(NEFH):c.1810G>A (p.Ala604Thr)

Gene: NEFH (neurofilament heavy chain; plus strand). Cytogenetic location: 22q12.2.
Variant type: single nucleotide variant.
Coding change: c.1810G>A on transcript NM_021076.4 (MANE Select); coding-DNA position 1810, G replaced by A.
Protein change: p.Ala604Thr; replaces alanine 604 with threonine.
Molecular consequence: missense variant.
Genome position (GRCh38, 1-based): chr22:29,489,450, G>A. VCF-style: chr22-29489450-G-A. GRCh37 (hg19) VCF-style: chr22-29885439-G-A.
Other names: short protein forms A604T.
Identifiers: ClinVar variation 1780578 (VCV001780578.3), dbSNP rs765634591, ClinGen allele CA10174281.